The following is an entry in ClinVar:

ClinVar aggregate classification (germline): Uncertain significance. Review status: criteria provided, multiple submitters, no conflicts (2 of 4 stars). 5 submissions from 5 submitters: Uncertain significance (5). Last evaluated 2026-02-26.

Conditions:
PLEKHG5-related disorder. Also called: PLEKHG5-related condition.
Inborn genetic diseases. Identifiers: MedGen C0950123, MeSH D030342.
Charcot-Marie-Tooth disease recessive intermediate C. Also called: CHARCOT-MARIE-TOOTH NEUROPATHY, RECESSIVE INTERMEDIATE C. Identifiers: Orphanet 369867, MedGen C3809309, MONDO:0014154, OMIM 615376.
Neuronopathy, distal hereditary motor, autosomal recessive 4. Also called: Autosomal recessive lower motor neuron disease with childhood onset; NEUROPATHY, DISTAL HEREDITARY MOTOR, AUTOSOMAL RECESSIVE 4. Identifiers: Orphanet 206580, MedGen C1970211, MONDO:0012608, OMIM 611067.

Allele frequency attached by ClinVar (database versions not stated): gnomAD 0.00013 and 0.00014; 1000 Genomes Project 30x 0.00016; TOPMed 0.00016; 1000 Genomes Project 0.00020; gnomAD exomes 0.00024.
gnomAD v4.1: 354 of 1,584,116 alleles (0.022%); highest among the groups gnomAD compares: Middle Eastern, 0.068%; no homozygotes.

Submissions (5):

PreventionGenetics, part of Exact Sciences
Classification: Uncertain significance for PLEKHG5-related condition. Last evaluated: 2026-02-26. Review status: criteria provided, single submitter. Criteria: ACMG Guidelines, 2015. Collection method: clinical testing. Allele origin: germline.
Comment: The PLEKHG5 c.2746A>C variant is predicted to result in the amino acid substitution p.Thr916Pro. To our knowledge, this variant has not been reported in the literature. This variant is reported in 0.027% of alleles in individuals of European (Non-Finnish) descent in gnomAD. At this time, the clinical significance of this variant is uncertain due to the absence of conclusive functional and genetic evidence.

CeGaT Center for Human Genetics Tuebingen
Classification: Uncertain significance. Last evaluated: 2025-11-01. Review status: criteria provided, single submitter. Criteria: CeGaT Center For Human Genetics Tuebingen Variant Classification Criteria Version 2. Collection method: clinical testing. Allele origin: germline. Affected: yes. Observed: 3 variant alleles.
Comment: PLEKHG5: PM2, BP5

Ambry Genetics
Classification: Uncertain significance for Inborn genetic diseases. Last evaluated: 2024-11-20. Review status: criteria provided, single submitter. Criteria: Ambry Variant Classification Scheme 2023. Collection method: clinical testing. Allele origin: germline.

Labcorp Genetics (formerly Invitae), Labcorp
Classification: Uncertain significance for Neuronopathy, distal hereditary motor, autosomal recessive 4; Charcot-Marie-Tooth disease recessive intermediate C. Last evaluated: 2024-10-16. Review status: criteria provided, single submitter. Criteria: Invitae Variant Classification Sherloc (09022015). Collection method: clinical testing. Allele origin: germline.
Comment: This sequence change replaces threonine, which is neutral and polar, with proline, which is neutral and non-polar, at codon 916 of the PLEKHG5 protein (p.Thr916Pro). This variant is present in population databases (rs187886272, gnomAD 0.03%). This variant has not been reported in the literature in individuals affected with PLEKHG5-related conditions. ClinVar contains an entry for this variant (Variation ID: 297935). An algorithm developed to predict the effect of missense changes on protein structure and function outputs the following: PolyPhen-2: "Benign". The proline amino acid residue is found in multiple mammalian species, which suggests that this missense change does not adversely affect protein function. In summary, the available evidence is currently insufficient to determine the role of this variant in disease. Therefore, it has been classified as a Variant of Uncertain Significance.

Illumina Laboratory Services, Illumina
Classification: Uncertain significance for Neuronopathy, distal hereditary motor, autosomal recessive 4. Last evaluated: 2018-01-12. Review status: criteria provided, single submitter. Criteria: ICSL Variant Classification Criteria 13 December 2019. Collection method: clinical testing. Allele origin: germline.

NM_020631.6(PLEKHG5):c.2746A>C (p.Thr916Pro)

Gene: PLEKHG5 (pleckstrin homology and RhoGEF domain containing G5; minus strand). Cytogenetic location: 1p36.31.
Variant type: single nucleotide variant.
Coding change: c.2746A>C on transcript NM_020631.6 (MANE Select); coding-DNA position 2746, A replaced by C.
Protein change: p.Thr916Pro; replaces threonine 916 with proline.
Molecular consequence: missense variant. On other transcripts: intron variant (1).
Genome position (GRCh38, 1-based): chr1:6,468,090, T>G on the plus strand (A>C on the coding strand, the complement: PLEKHG5 is on the minus strand). VCF-style: chr1-6468090-T-G. GRCh37 (hg19) VCF-style: chr1-6528150-T-G.
Other names: c.2857A>C, p.Thr953Pro (NM_001042663.3, NM_001265592.2); c.2746A>C, p.Thr916Pro (NM_001042664.2, NM_001042665.2, NM_198681.4); c.2953A>C, p.Thr985Pro (NM_001265593.2); c.2737+9A>C (NM_001265594.3); short protein forms T916P, T985P, T953P.
Identifiers: ClinVar variation 297935 (VCV000297935.56), dbSNP rs187886272, ClinGen allele CA561098.